The following is an entry in ClinVar:

ClinVar aggregate classification (germline): Uncertain significance (1 of 4 stars; one submission).

Conditions:
Catecholaminergic polymorphic ventricular tachycardia (CVPT). Also called: Catecholamine-induced polymorphic ventricular tachycardia. Identifiers: Orphanet 3286, MedGen C5574922, MONDO:0017990.

Allele frequency attached by ClinVar (database versions not stated): gnomAD exomes below 0.00001.

Submission:

Labcorp Genetics (formerly Invitae), Labcorp
Classification: Uncertain significance for Catecholaminergic polymorphic ventricular tachycardia. Last evaluated: 2019-08-02. Review status: criteria provided, single submitter. Criteria: Invitae Variant Classification Sherloc (09022015). Collection method: clinical testing. Allele origin: germline.
Comment: This sequence change replaces alanine with threonine at codon 574 of the TRDN protein (p.Ala574Thr). The alanine residue is weakly conserved and there is a small physicochemical difference between alanine and threonine. This variant also falls at the last nucleotide of exon 30 of the TRDN coding sequence, which is part of the consensus splice site for this exon. This variant is not present in population databases (ExAC no frequency). This variant has not been reported in the literature in individuals with TRDN-related conditions. Algorithms developed to predict the effect of missense changes on protein structure and function (SIFT, PolyPhen-2, Align-GVGD) all suggest that this variant is likely to be tolerated, but these predictions have not been confirmed by published functional studies and their clinical significance is uncertain. Nucleotide substitutions within the consensus splice site are a relatively common cause of aberrant splicing (PMID: 17576681, 9536098). Algorithms developed to predict the effect of sequence changes on RNA splicing suggest that this variant may disrupt the consensus splice site, but this prediction has not been confirmed by published transcriptional studies. In summary, the available evidence is currently insufficient to determine the role of this variant in disease. Therefore, it has been classified as a Variant of Uncertain Significance.

NM_006073.4(TRDN):c.1720G>A (p.Ala574Thr)

Gene: TRDN (triadin; minus strand). Cytogenetic location: 6q22.31.
Variant type: single nucleotide variant.
Coding change: c.1720G>A on transcript NM_006073.4 (MANE Select); coding-DNA position 1720, G replaced by A.
Protein change: p.Ala574Thr; replaces alanine 574 with threonine.
Molecular consequence: missense variant.
Genome position (GRCh38, 1-based): chr6:123,271,139, C>T on the plus strand (G>A on the coding strand, the complement: TRDN is on the minus strand). VCF-style: chr6-123271139-C-T. GRCh37 (hg19) VCF-style: chr6-123592284-C-T.
Other names: short protein forms A574T.
Identifiers: ClinVar variation 935080 (VCV000935080.2), dbSNP rs866787639, ClinGen allele CA147231193.